The following is an entry in ClinVar:

ClinVar aggregate classification (germline): Uncertain significance (1 of 4 stars; one submission).

Submission:

Labcorp Genetics (formerly Invitae), Labcorp
Classification: Uncertain significance. Last evaluated: 2022-09-12. Review status: criteria provided, single submitter. Criteria: Invitae Variant Classification Sherloc (09022015). Collection method: clinical testing. Allele origin: germline.
Comment: Advanced modeling of protein sequence and biophysical properties (such as structural, functional, and spatial information, amino acid conservation, physicochemical variation, residue mobility, and thermodynamic stability) performed at Invitae indicates that this missense variant is not expected to disrupt MTOR protein function. ClinVar contains an entry for this variant (Variation ID: 662645). This variant has not been reported in the literature in individuals affected with MTOR-related conditions. This variant is not present in population databases (gnomAD no frequency). This sequence change replaces leucine, which is neutral and non-polar, with valine, which is neutral and non-polar, at codon 1382 of the MTOR protein (p.Leu1382Val). In summary, the available evidence is currently insufficient to determine the role of this variant in disease. Therefore, it has been classified as a Variant of Uncertain Significance.

NM_004958.4(MTOR):c.4144C>G (p.Leu1382Val)

Gene: MTOR (mechanistic target of rapamycin kinase; minus strand). Cytogenetic location: 1p36.22.
Variant type: single nucleotide variant.
Coding change: c.4144C>G on transcript NM_004958.4 (MANE Select); coding-DNA position 4144, C replaced by G.
Protein change: p.Leu1382Val; replaces leucine 1382 with valine.
Molecular consequence: missense variant.
Genome position (GRCh38, 1-based): chr1:11,199,367, G>C on the plus strand (C>G on the coding strand, the complement: MTOR is on the minus strand). VCF-style: chr1-11199367-G-C. GRCh37 (hg19) VCF-style: chr1-11259424-G-C.
Other names: c.4144C>G (LRG_734t1); short protein forms L1382V.
Identifiers: ClinVar variation 662645 (VCV000662645.8), dbSNP rs1571146566, ClinGen allele CA338389116.